The following is an entry in ClinVar:

NM_022072.5(NSUN3):c.507G>T (p.Arg169Ser)

Gene: NSUN3 (NOP2/Sun RNA methyltransferase 3; plus strand). Cytogenetic location: 3q11.2.
Variant type: single nucleotide variant.
Coding change: c.507G>T on transcript NM_022072.5 (MANE Select); coding-DNA position 507, G replaced by T.
Protein change: p.Arg169Ser; replaces arginine 169 with serine.
Molecular consequence: missense variant.
Genome position (GRCh38, 1-based): chr3:94,094,180, G>T. VCF-style: chr3-94094180-G-T. GRCh37 (hg19) VCF-style: chr3-93813024-G-T.
Other names: short protein forms R169S.
Identifiers: ClinVar variation 2019591 (VCV002019591.4), dbSNP rs1576090645, ClinGen allele CA353705042.

ClinVar aggregate classification (germline): Uncertain significance (1 of 4 stars; one submission).

Allele frequency attached by ClinVar (database versions not stated): gnomAD exomes below 0.00001; TOPMed below 0.00001.
gnomAD v4.1: 2 of 1,612,190 alleles (0.00012%); highest among the groups gnomAD compares: Middle Eastern, 0.017%; no homozygotes.

Submission:

Labcorp Genetics (formerly Invitae), Labcorp
Classification: Uncertain significance. Last evaluated: 2022-07-27. Review status: criteria provided, single submitter. Criteria: Invitae Variant Classification Sherloc (09022015). Collection method: clinical testing. Allele origin: germline.
Comment: In summary, the available evidence is currently insufficient to determine the role of this variant in disease. Therefore, it has been classified as a Variant of Uncertain Significance. Algorithms developed to predict the effect of missense changes on protein structure and function are either unavailable or do not agree on the potential impact of this missense change (SIFT: "Tolerated"; PolyPhen-2: "Possibly Damaging"; Align-GVGD: "Class C0"). This variant has not been reported in the literature in individuals affected with NSUN3-related conditions. This variant is not present in population databases (gnomAD no frequency). This sequence change replaces arginine, which is basic and polar, with serine, which is neutral and polar, at codon 169 of the NSUN3 protein (p.Arg169Ser).